The following is an entry in ClinVar:

NM_001378120.1(MBD5):c.4755T>C (p.Pro1585=)

Gene: MBD5 (methyl-CpG binding domain protein 5; plus strand). Cytogenetic location: 2q23.1.
Variant type: single nucleotide variant.
Coding change: c.4755T>C on transcript NM_001378120.1 (MANE Select); coding-DNA position 4755, T replaced by C.
Protein change: p.Pro1585=; no amino-acid change (proline 1585 retained).
Molecular consequence: synonymous variant.
Genome position (GRCh38, 1-based): chr2:148,490,387, T>C. VCF-style: chr2-148490387-T-C. GRCh37 (hg19) VCF-style: chr2-149247956-T-C.
Other names: c.4056T>C, p.Pro1352= (NM_018328.5).
Identifiers: ClinVar variation 2651417 (VCV002651417.24), dbSNP rs2470030050, ClinGen allele CA429448185.

ClinVar aggregate classification (germline): Likely benign (1 of 4 stars; one submission).

Submission:

CeGaT Center for Human Genetics Tuebingen
Classification: Likely benign. Last evaluated: 2023-07-01. Review status: criteria provided, single submitter. Criteria: CeGaT Center For Human Genetics Tuebingen Variant Classification Criteria Version 2. Collection method: clinical testing. Allele origin: germline. Affected: yes. Observed: 1 variant allele.
Comment: MBD5: PM2:Supporting, BP4, BP7